The following is an entry in ClinVar:

NM_003334.4(UBA1):c.2460T>G (p.Ser820=)

Gene: UBA1 (ubiquitin like modifier activating enzyme 1; plus strand). Cytogenetic location: Xp11.3.
Variant type: single nucleotide variant.
Coding change: c.2460T>G on transcript NM_003334.4 (MANE Select); coding-DNA position 2460, T replaced by G.
Protein change: p.Ser820=; no amino-acid change (serine 820 retained).
Molecular consequence: synonymous variant.
Genome position (GRCh38, 1-based): chrX:47,211,221, T>G. VCF-style: chrX-47211221-T-G. GRCh37 (hg19) VCF-style: chrX-47070620-T-G.
Other names: c.2460T>G, p.Ser820= (NM_153280.3).
Identifiers: ClinVar variation 3722956 (VCV003722956.2).

ClinVar aggregate classification (germline): Uncertain significance (1 of 4 stars; one submission).

Conditions:
Infantile-onset X-linked spinal muscular atrophy. Also called: SPINAL MUSCULAR ATROPHY, X-LINKED LETHAL INFANTILE; AMC, DISTAL, X-LINKED; ARTHROGRYPOSIS, X-LINKED, TYPE I; Spinal Muscular Atrophy, X-Linked Infantile; Spinal muscular atrophy, X-linked 2. Identifiers: Orphanet 1145, MedGen C1844934, MONDO:0010532, OMIM 301830.

Submission:

Labcorp Genetics (formerly Invitae), Labcorp
Classification: Uncertain significance for Infantile-onset X-linked spinal muscular atrophy. Last evaluated: 2024-10-15. Review status: criteria provided, single submitter. Criteria: Invitae Variant Classification Sherloc (09022015). Collection method: clinical testing. Allele origin: germline.
Comment: This sequence change affects codon 820 of the UBA1 mRNA. It is a 'silent' change, meaning that it does not change the encoded amino acid sequence of the UBA1 protein. This variant is not present in population databases (gnomAD no frequency). This variant has not been reported in the literature in individuals affected with UBA1-related conditions. Algorithms developed to predict the effect of sequence changes on RNA splicing suggest that this variant may disrupt the consensus splice site. In summary, the available evidence is currently insufficient to determine the role of this variant in disease. Therefore, it has been classified as a Variant of Uncertain Significance.